The following is an entry in ClinVar:

NM_022437.3(ABCG8):c.462C>A (p.His154Gln)

Gene: ABCG8 (ATP binding cassette subfamily G member 8; plus strand). Cytogenetic location: 2p21.
Variant type: single nucleotide variant.
Coding change: c.462C>A on transcript NM_022437.3 (MANE Select); coding-DNA position 462, C replaced by A.
Protein change: p.His154Gln; replaces histidine 154 with glutamine.
Molecular consequence: missense variant.
Genome position (GRCh38, 1-based): chr2:43,851,723, C>A. VCF-style: chr2-43851723-C-A. GRCh37 (hg19) VCF-style: chr2-44078862-C-A.
Other names: c.462C>A, p.His154Gln (NM_001357321.2); c.462C>A (NM_022437.2); short protein forms H154Q.
Identifiers: ClinVar variation 1052851 (VCV001052851.7), dbSNP rs1325379182, ClinGen allele CA346665421.

ClinVar aggregate classification (germline): Uncertain significance. Review status: criteria provided, multiple submitters, no conflicts (2 of 4 stars). 2 submissions from 2 submitters: Uncertain significance (2). Last evaluated 2024-12-31.

Conditions:
Cardiovascular phenotype. Identifiers: MedGen CN230736.

Allele frequency attached by ClinVar (database versions not stated): TOPMed below 0.00001; gnomAD 0.00001; gnomAD exomes 0.00001.
gnomAD v4.1: 15 of 1,614,142 alleles (0.00093%); highest among the groups gnomAD compares: African/African-American, 0.0013%; no homozygotes.

Submissions (2):

Ambry Genetics
Classification: Uncertain significance for Cardiovascular phenotype. Last evaluated: 2024-12-31. Review status: criteria provided, single submitter. Criteria: Ambry Variant Classification Scheme 2023. Collection method: clinical testing. Allele origin: germline.

Labcorp Genetics (formerly Invitae), Labcorp
Classification: Uncertain significance. Last evaluated: 2021-08-24. Review status: criteria provided, single submitter. Criteria: Invitae Variant Classification Sherloc (09022015). Collection method: clinical testing. Allele origin: germline.
Comment: This sequence change replaces histidine with glutamine at codon 154 of the ABCG8 protein (p.His154Gln). The histidine residue is moderately conserved and there is a small physicochemical difference between histidine and glutamine. This variant is not present in population databases (ExAC no frequency). This variant has not been reported in the literature in individuals affected with ABCG8-related conditions. Algorithms developed to predict the effect of missense changes on protein structure and function output the following: SIFT: "Tolerated"; PolyPhen-2: "Benign"; Align-GVGD: "Class C0". The glutamine amino acid residue is found in multiple mammalian species, which suggests that this missense change does not adversely affect protein function. In summary, the available evidence is currently insufficient to determine the role of this variant in disease. Therefore, it has been classified as a Variant of Uncertain Significance.